The following is an entry in ClinVar:

NM_015021.3(ZNF292):c.2292C>G (p.Tyr764Ter)

Gene: ZNF292 (zinc finger protein 292; plus strand). Cytogenetic location: 6q14.3.
Variant type: single nucleotide variant.
Coding change: c.2292C>G on transcript NM_015021.3 (MANE Select); coding-DNA position 2292, C replaced by G.
Protein change: p.Tyr764Ter; replaces tyrosine 764 with a stop codon.
Molecular consequence: nonsense.
Genome position (GRCh38, 1-based): chr6:87,255,921, C>G. VCF-style: chr6-87255921-C-G. GRCh37 (hg19) VCF-style: chr6-87965639-C-G.
Other names: c.1872C>G, p.Tyr624Ter (NM_001351444.2); short protein forms Y624*, Y764*.
Identifiers: ClinVar variation 4819185 (VCV004819185.1).

ClinVar aggregate classification (germline): Likely pathogenic (1 of 4 stars; one submission).

Conditions:
Intellectual developmental disorder, autosomal dominant 64. Also called: MENTAL RETARDATION, AUTOSOMAL DOMINANT 64. Identifiers: MedGen C5543067, MONDO:0030934, OMIM 619188.

Submission:

Institute of Human Genetics, University of Leipzig Medical Center
Classification: Likely pathogenic for Intellectual developmental disorder, autosomal dominant 64. Last evaluated: 2026-01-06. Review status: criteria provided, single submitter. Criteria: ACMG Guidelines, 2015. Collection method: clinical testing. Allele origin: unknown. Inheritance: Autosomal dominant inheritance. Affected: yes.
Comment: Criteria applied: PVS1_STR,PM2